The following is an entry in ClinVar:

ClinVar aggregate classification (germline): Benign/Likely benign. Review status: criteria provided, multiple submitters, no conflicts (2 of 4 stars). 2 submissions from 2 submitters: Benign (1); Likely benign (1). Last evaluated 2025-10-21.

Allele frequency attached by ClinVar (database versions not stated): ESP Exome Variant Server 0.00038; 1000 Genomes Project 30x 0.00265; 1000 Genomes Project 0.00319.

Submissions (2):

Labcorp Genetics (formerly Invitae), Labcorp
Classification: Benign. Last evaluated: 2025-10-21. Review status: criteria provided, single submitter. Criteria: Invitae Variant Classification Sherloc (09022015). Collection method: clinical testing. Allele origin: germline.

CeGaT Center for Human Genetics Tuebingen
Classification: Likely benign. Last evaluated: 2022-06-01. Review status: criteria provided, single submitter. Criteria: CeGaT Center For Human Genetics Tuebingen Variant Classification Criteria Version 2. Collection method: clinical testing. Allele origin: germline. Affected: yes. Observed: 1 variant allele.
Comment: TOP1MT: PP3, BS2

NM_052963.3(TOP1MT):c.1370G>C (p.Arg457Pro)

Gene: TOP1MT (DNA topoisomerase I mitochondrial; minus strand). Cytogenetic location: 8q24.3.
Variant type: single nucleotide variant.
Coding change: c.1370G>C on transcript NM_052963.3 (MANE Select); coding-DNA position 1370, G replaced by C.
Protein change: p.Arg457Pro; replaces arginine 457 with proline.
Molecular consequence: missense variant.
Genome position (GRCh38, 1-based): chr8:143,316,087, C>G on the plus strand (G>C on the coding strand, the complement: TOP1MT is on the minus strand). VCF-style: chr8-143316087-C-G. GRCh37 (hg19) VCF-style: chr8-144398257-C-G.
Other names: c.1076G>C, p.Arg359Pro (NM_001258446.1, NM_001258447.1); short protein forms R359P, R457P.
Identifiers: ClinVar variation 1602945 (VCV001602945.32), dbSNP rs150897789, ClinGen allele CA4908330.